The following is an entry in ClinVar:

ClinVar aggregate classification (germline): Uncertain significance. Review status: criteria provided, multiple submitters, no conflicts (2 of 4 stars). 4 submissions from 4 submitters: Uncertain significance (3). 1 of the submissions does not count toward it. Last evaluated 2026-02-25.

Conditions:
MYH11-related disorder. Also called: MYH11-related condition.
Aortic aneurysm, familial thoracic 4 (AAT4). Also called: AORTIC ANEURYSM/AORTIC DISSECTION AND PATENT DUCTUS ARTERIOSUS. Identifiers: MedGen C1851504, MONDO:0007568, OMIM 132900.
Familial thoracic aortic aneurysm and aortic dissection (TAAD). Also called: Thoracic aortic aneurysms and dissections. Identifiers: Orphanet 91387, MedGen C4707243, MONDO:0019625.

gnomAD v4.1: 1 of 1,614,120 alleles (0.000062%); highest among the groups gnomAD compares: Non-Finnish European, 0.000085%; no homozygotes.

Submissions (4):

GeneDx
Classification: Uncertain significance. Last evaluated: 2026-02-25. Review status: criteria provided, single submitter. Criteria: GeneDx Variant Classification Process June 2021. Collection method: clinical testing. Allele origin: germline.
Comment: Has been reported as a variant of uncertain significance in a patient with a pathogenic variant in the SPG7 gene who had mitochondrial dysfunction and 3-methy glutaconic aciduria (3MGA) (Olarewaju, 2025, DOI 10.36185/2532-1900-1593); Not observed at significant frequency in large population cohorts (gnomAD); In silico analysis supports that this missense variant has a deleterious effect on protein structure/function; This variant is associated with the following publications: (PMID: Olarewaju2025[article])

Labcorp Genetics (formerly Invitae), Labcorp
Classification: Uncertain significance for Aortic aneurysm, familial thoracic 4. Last evaluated: 2024-04-11. Review status: criteria provided, single submitter. Criteria: Invitae Variant Classification Sherloc (09022015). Collection method: clinical testing. Allele origin: germline.
Comment: This sequence change replaces lysine, which is basic and polar, with asparagine, which is neutral and polar, at codon 12 of the MYH11 protein (p.Lys12Asn). This variant is not present in population databases (gnomAD no frequency). This variant has not been reported in the literature in individuals affected with MYH11-related conditions. Advanced modeling of protein sequence and biophysical properties (such as structural, functional, and spatial information, amino acid conservation, physicochemical variation, residue mobility, and thermodynamic stability) performed at Invitae indicates that this missense variant is not expected to disrupt MYH11 protein function with a negative predictive value of 95%. In summary, the available evidence is currently insufficient to determine the role of this variant in disease. Therefore, it has been classified as a Variant of Uncertain Significance.

All of Us Research Program, National Institutes of Health
Classification: Uncertain significance for Familial thoracic aortic aneurysm and aortic dissection. Last evaluated: 2023-11-30. Review status: criteria provided, single submitter. Criteria: ACMG Guidelines, 2015. Collection method: clinical testing. Allele origin: germline. Inheritance: Autosomal dominant inheritance. Observed: 1 variant allele, 1 heterozygote.
Comment: This study involves interpretation of variants in research participants for the purpose of population health screening. Participant phenotype was not available at the time of variant classification. Additional details can be found in publication PMID: 35346344, PMCID: PMC8962531

PreventionGenetics, part of Exact Sciences
Classification: Uncertain significance for MYH11-related condition. Last evaluated: 2023-12-02. Review status: no assertion criteria provided. Collection method: clinical testing. Allele origin: germline. Not counted in ClinVar's aggregate classification.
Comment: The MYH11 c.36G>T variant is predicted to result in the amino acid substitution p.Lys12Asn. To our knowledge, this variant has not been reported in the literature or in a large population database, indicating this variant is rare. At this time, the clinical significance of this variant is uncertain due to the absence of conclusive functional and genetic evidence.

NM_002474.3(MYH11):c.36G>T (p.Lys12Asn)

Gene: MYH11 (myosin heavy chain 11; minus strand). Cytogenetic location: 16p13.11.
Variant type: single nucleotide variant.
Coding change: c.36G>T on transcript NM_002474.3 (MANE Select); coding-DNA position 36, G replaced by T.
Protein change: p.Lys12Asn; replaces lysine 12 with asparagine.
Molecular consequence: missense variant.
Genome position (GRCh38, 1-based): chr16:15,838,217, C>A on the plus strand (G>T on the coding strand, the complement: MYH11 is on the minus strand). VCF-style: chr16-15838217-C-A. GRCh37 (hg19) VCF-style: chr16-15932074-C-A.
Other names: c.36G>T, p.Lys12Asn (NM_001040113.2, NM_001040114.2, NM_022844.3); c.36G>T (NM_002474.2); short protein forms K12N.
Identifiers: ClinVar variation 2999359 (VCV002999359.7), dbSNP rs2043957693, ClinGen allele CA395199061.
Genomic context (GRCh38, chr16:15,838,217, plus strand): 5'-GGCGGCCCAGTCAGCCTGGGCCACTGGGCTGTTGATGAAGTTTTTGTCCACAAAGAGGAA[C>A]TTCTCATCGTCACTGAGTTGGCCCTTCTGCGCCATGGTGCCTTGTTGGTCCCCTGTGGAA-3'
Protein context (NP_002465.1, residues 2-22): AQKGQLSDDE[Lys12Asn]FLFVDKNFIN